The following is an entry in ClinVar:

ClinVar aggregate classification (germline): Uncertain significance. Review status: criteria provided, multiple submitters, no conflicts (2 of 4 stars). 3 submissions from 3 submitters: Uncertain significance (3). Last evaluated 2026-01-15.

Conditions:
Cardiovascular phenotype. Identifiers: MedGen CN230736.
Dilated cardiomyopathy 1KK (CMD1KK). Identifiers: Orphanet 154, Orphanet 75249, MedGen C3714995, MONDO:0014100, OMIM 615248.

Allele frequency attached by ClinVar (database versions not stated): gnomAD exomes below 0.00001; ExAC 0.00001; gnomAD 0.00001; TOPMed 0.00003; ESP Exome Variant Server 0.00015.
gnomAD v4.1: 3 of 1,613,842 alleles (0.00019%); highest among the groups gnomAD compares: African/African-American, 0.0013%; no homozygotes.

Submissions (3):

Labcorp Genetics (formerly Invitae), Labcorp
Classification: Uncertain significance for Dilated cardiomyopathy 1KK. Last evaluated: 2026-01-15. Review status: criteria provided, single submitter. Criteria: Invitae Variant Classification Sherloc (09022015). Collection method: clinical testing. Allele origin: germline.
Comment: This sequence change replaces serine, which is neutral and polar, with isoleucine, which is neutral and non-polar, at codon 1029 of the MYPN protein (p.Ser1029Ile). This variant is not present in population databases (gnomAD no frequency). This variant has not been reported in the literature in individuals affected with MYPN-related conditions. ClinVar contains an entry for this variant (Variation ID: 264524). An algorithm developed to predict the effect of missense changes on protein structure and function (PolyPhen-2) suggests that this variant is likely to be disruptive. In summary, the available evidence is currently insufficient to determine the role of this variant in disease. Therefore, it has been classified as a Variant of Uncertain Significance.

GeneDx
Classification: Uncertain significance. Last evaluated: 2016-12-15. Review status: criteria provided, single submitter. Criteria: GeneDx Variant Classification (06012015). Collection method: clinical testing. Allele origin: germline. Affected: yes.
Comment: The S1029I variant in the MYPN gene has not been reported previously as a pathogenic variant, nor as a benign variant, to our knowledge. The S1029I variant was not observed at any significant frequency in approximately 6,500 individuals of European and African American ancestry in the NHLBI Exome Sequencing Project, indicating it is not a common benign variant in these populations. The S1029I variant is a non-conservative amino acid substitution, which is likely to impact secondary protein structure as these residues differ in polarity, charge, size and/or other properties. This substitution occurs at a position that is conserved across species. In silico analysis predicts this variant is probably damaging to the protein structure/function. We interpret S1029I as a variant of uncertain significance.

Ambry Genetics
Classification: Uncertain significance for Cardiovascular phenotype. Last evaluated: 2015-12-03. Review status: criteria provided, single submitter. Criteria: Ambry Variant Classification Scheme 2023. Collection method: clinical testing. Allele origin: germline.
Comment: The p.S1029I variant (also known as c.3086G>T), located in coding exon 14 of the MYPN gene, results from a G to T substitution at nucleotide position 3086. The serine at codon 1029 is replaced by isoleucine, an amino acid with dissimilar properties. This variant was previously reported in the SNPDatabase as rs142320290. Based on data from the NHLBI Exome Sequencing Project (ESP), the T allele has an overall frequency of approximately 0.02% (2/13006) total alleles studied, having been observed in 0.05% (2/4406) African American alleles. Based on data from ExAC, the T allele was reported in 1 of 121314 (0.0008%) total alleles (Exome Aggregation Consortium (ExAC), Cambridge, MA (URL) [Accessed November 27, 2015]). This amino acid position is highly conserved in available vertebrate species. In addition, this alteration is predicted to be deleterious by in silico analysis. Since clinical data on this variant is limited at this time, its clinical significance is unclear.

NM_032578.4(MYPN):c.3086G>T (p.Ser1029Ile)

Gene: MYPN (myopalladin; plus strand). Cytogenetic location: 10q21.3.
Variant type: single nucleotide variant.
Coding change: c.3086G>T on transcript NM_032578.4 (MANE Select); coding-DNA position 3086, G replaced by T.
Protein change: p.Ser1029Ile; replaces serine 1029 with isoleucine.
Molecular consequence: missense variant. On other transcripts: non-coding transcript variant (2).
Genome position (GRCh38, 1-based): chr10:68,195,460, G>T. VCF-style: chr10-68195460-G-T. GRCh37 (hg19) VCF-style: chr10-69955217-G-T.
Other names: c.3086G>T, p.Ser1029Ile (NM_001256267.2); c.2204G>T, p.Ser735Ile (NM_001256268.2); short protein forms S1029I, S735I.
Identifiers: ClinVar variation 264524 (VCV000264524.13), dbSNP rs142320290, ClinGen allele CA5522948.
Genomic context (GRCh38, chr10:68,195,460, plus strand): 5'-AAAATGTGAGATTGTTCTTGTTTTAATCTTGCTCTTTTTCTGTTTGTCAGGGGAGAATCA[G>T]CTGTTCTGGCCACTTGATGGTACAAAGTTTGCCCATTCGCAGTCGGCTAACCTCTGCTGG-3'
Protein context (NP_115967.2, residues 1019-1039): IMAANPQGRI[Ser1029Ile]CSGHLMVQSL